The following is an entry in ClinVar:

NM_007118.4(TRIO):c.7840_7841del (p.Thr2614fs)

Gene: TRIO (trio Rho guanine nucleotide exchange factor; plus strand). Cytogenetic location: 5p15.2.
Variant type: Microsatellite.
Coding change: c.7840_7841del on transcript NM_007118.4 (MANE Select); coding-DNA positions 7840 to 7841, 2 bases deleted (AC; older notation c.7840_7841delAC).
Protein change: p.Thr2614fs; shifts the reading frame from threonine 2614.
Molecular consequence: frameshift variant. On other transcripts: non-coding transcript variant (1).
Genome position (GRCh38, 1-based): chr5:14,492,774-14,492,775, AC deleted; deleting any 2 consecutive bases within chr5:14,492,771-14,492,775 gives the same sequence; the c. name uses the placement nearest the transcript's 3' end. VCF-style (leftmost placement, unchanged base first): chr5-14492770-CCA-C. GRCh37 (hg19) VCF-style: chr5-14492879-CCA-C.
Other names: short protein forms T2614fs.
Identifiers: ClinVar variation 5038206 (VCV005038206.1).
Genomic context (GRCh38, chr5:14,492,770, plus strand): 5'-CCGAGCCGCCACTGACCAGTGCCCCGCAGCTGAGGGCTGGATTCCAGGCTTTGTCCTGGG[CCA>C]CACCAGTGCAGTCATCGTGGAGAACCCGGACGGGACTCTCAAGTGAGTGCTTGACAGTAA-3'

ClinVar aggregate classification (germline): Likely pathogenic (1 of 4 stars; one submission).

Conditions:
Intellectual developmental disorder, autosomal dominant 44, with microcephaly. Also called: Micrognathia-recurrent infections-behavioral abnormalities-mild intellectual disability syndrome; TRIO-Related Intellectual Disability. Identifiers: Orphanet 476126, MedGen C4310740, MONDO:0014892, OMIM 617061.

Submission:

MVZ Medizinische Genetik Mainz
Classification: Likely pathogenic for Intellectual developmental disorder, autosomal dominant 44, with microcephaly. Last evaluated: 2026-03-16. Review status: criteria provided, single submitter. Criteria: UK Practice Guidelines For Variant Classification V4 01 2020. Collection method: clinical testing. Allele origin: germline. Inheritance: Autosomal dominant inheritance. Affected: yes. Observed: 1 variant allele.
Comment: ACMG Criteria: PVS1,PM2_SUP